The following is an entry in ClinVar:

NM_181426.2(CCDC39):c.1793A>G (p.Glu598Gly)

Gene: CCDC39 (coiled-coil domain 39 molecular ruler complex subunit; minus strand). Cytogenetic location: 3q26.33.
Variant type: single nucleotide variant.
Coding change: c.1793A>G on transcript NM_181426.2 (MANE Select); coding-DNA position 1793, A replaced by G.
Protein change: p.Glu598Gly; replaces glutamic acid 598 with glycine.
Molecular consequence: missense variant.
Genome position (GRCh38, 1-based): chr3:180,642,074, T>C on the plus strand (A>G on the coding strand, the complement: CCDC39 is on the minus strand). VCF-style: chr3-180642074-T-C. GRCh37 (hg19) VCF-style: chr3-180359862-T-C.
Other names: short protein forms E598G.
Identifiers: ClinVar variation 3671460 (VCV003671460.2).

ClinVar aggregate classification (germline): Uncertain significance (1 of 4 stars; one submission).

Conditions:
Primary ciliary dyskinesia. Also called: Ciliary dyskinesia. Identifiers: Orphanet 244, MedGen C0008780, MONDO:0016575, HP:0012265.

gnomAD v4.1: 5 of 1,612,618 alleles (0.00031%); highest among the groups gnomAD compares: Middle Eastern, 0.016%; no homozygotes.

Submission:

Labcorp Genetics (formerly Invitae), Labcorp
Classification: Uncertain significance for Primary ciliary dyskinesia. Last evaluated: 2024-07-03. Review status: criteria provided, single submitter. Criteria: Invitae Variant Classification Sherloc (09022015). Collection method: clinical testing. Allele origin: germline.
Comment: This sequence change replaces glutamic acid, which is acidic and polar, with glycine, which is neutral and non-polar, at codon 598 of the CCDC39 protein (p.Glu598Gly). This variant is present in population databases (no rsID available, gnomAD 0.01%). This variant has not been reported in the literature in individuals affected with CCDC39-related conditions. An algorithm developed to predict the effect of missense changes on protein structure and function (PolyPhen-2) suggests that this variant is likely to be disruptive. In summary, the available evidence is currently insufficient to determine the role of this variant in disease. Therefore, it has been classified as a Variant of Uncertain Significance.